The following is an entry in ClinVar:

NM_004656.4(BAP1):c.932-8_934del

Gene: BAP1 (BRCA1 associated deubiquitinase 1; minus strand). Cytogenetic location: 3p21.1.
Variant type: Deletion.
Coding change: c.932-8_934del on transcript NM_004656.4 (MANE Select); 8 bases into the intron before coding-DNA position 932 through coding-DNA position 934, 11 bases deleted (TGTCTCAGATG).
Molecular consequence: splice acceptor variant.
Genome position (GRCh38, 1-based): chr3:52,405,292-52,405,302, CATCTGAGACA deleted on the plus strand (TGTCTCAGATG on the coding strand, the reverse complement: BAP1 is on the minus strand). VCF-style (leftmost placement, unchanged base first): chr3-52405291-CCATCTGAGACA-C. GRCh37 (hg19) VCF-style: chr3-52439307-CCATCTGAGACA-C.
Other names: c.878-8_880del (NM_001410772.1).
Identifiers: ClinVar variation 3642214 (VCV003642214.2).

ClinVar aggregate classification (germline): Likely pathogenic (1 of 4 stars; one submission).

Conditions:
BAP1-related tumor predisposition syndrome (TPDS1). Also called: Tumor susceptibility linked to germline BAP1 mutations; TUMOR PREDISPOSITION SYNDROME 1; COMMON Syndrome; BAP1 tumor predisposition syndrome. Identifiers: Orphanet 289539, MedGen C3280492, MONDO:0013692, OMIM 614327.

Submission:

Labcorp Genetics (formerly Invitae), Labcorp
Classification: Likely pathogenic for BAP1-related tumor predisposition syndrome. Last evaluated: 2024-02-20. Review status: criteria provided, single submitter. Criteria: Invitae Variant Classification Sherloc (09022015). Collection method: clinical testing. Allele origin: germline.
Comment: This variant results in the deletion of part of exon 11 (c.932-8_934del) of the BAP1 gene. It is expected to disrupt RNA splicing. Variants that disrupt the donor or acceptor splice site typically lead to a loss of protein function (PMID: 16199547), and loss-of-function variants in BAP1 are known to be pathogenic (PMID: 21874000, 23684012). This variant is not present in population databases (gnomAD no frequency). This variant has not been reported in the literature in individuals affected with BAP1-related conditions. In summary, the currently available evidence indicates that the variant is pathogenic, but additional data are needed to prove that conclusively. Therefore, this variant has been classified as Likely Pathogenic.

Literature cited by the submitters: PubMed 16199547; PubMed 21874000; PubMed 23684012.